The following is an entry in ClinVar:

ClinVar aggregate classification (germline): Uncertain significance. Review status: criteria provided, multiple submitters, no conflicts (2 of 4 stars). 2 submissions from 2 submitters: Uncertain significance (2). Last evaluated 2024-04-08.

Conditions:
MHC class I deficiency 1 (MHC1D1). Also called: BARE LYMPHOCYTE SYNDROME, TYPE I; BLS, TYPE I; HLA CLASS I DEFICIENCY, 1. Identifiers: MedGen C1858266, MONDO:0971006, OMIM 604571.
MHC class I deficiency. Identifiers: Orphanet 34592, MedGen C6024714, MONDO:0011476.

Allele frequency attached by ClinVar (database versions not stated): TOPMed 0.00001; ExAC 0.00002.
gnomAD v4.1: 5 of 1,611,338 alleles (0.00031%); highest among the groups gnomAD compares: Admixed American, 0.0084%; no homozygotes.

Submissions (2):

Fulgent Genetics
Classification: Uncertain significance for MHC class I deficiency 1. Last evaluated: 2024-04-08. Review status: criteria provided, single submitter. Criteria: ACMG Guidelines, 2015. Collection method: clinical testing. Allele origin: germline.

Labcorp Genetics (formerly Invitae), Labcorp
Classification: Uncertain significance for MHC class I deficiency 1. Last evaluated: 2022-07-23. Review status: criteria provided, single submitter. Criteria: Invitae Variant Classification Sherloc (09022015). Collection method: clinical testing. Allele origin: germline.
Comment: This variant has not been reported in the literature in individuals affected with TAP1-related conditions. In summary, the available evidence is currently insufficient to determine the role of this variant in disease. Therefore, it has been classified as a Variant of Uncertain Significance. Algorithms developed to predict the effect of missense changes on protein structure and function (SIFT, PolyPhen-2, Align-GVGD) all suggest that this variant is likely to be tolerated. This variant is present in population databases (rs775068892, gnomAD 0.01%). This sequence change replaces cysteine, which is neutral and slightly polar, with glycine, which is neutral and non-polar, at codon 133 of the TAP1 protein (p.Cys133Gly).

NM_000593.6(TAP1):c.217T>G (p.Cys73Gly)

Gene: TAP1 (transporter 1, ATP binding cassette subfamily B member; minus strand). Cytogenetic location: 6p21.32.
Variant type: single nucleotide variant.
Coding change: c.217T>G on transcript NM_000593.6 (MANE Select); coding-DNA position 217, T replaced by G.
Protein change: p.Cys73Gly; replaces cysteine 73 with glycine.
Molecular consequence: missense variant.
Genome position (GRCh38, 1-based): chr6:32,853,420, A>C on the plus strand (T>G on the coding strand, the complement: TAP1 is on the minus strand). VCF-style: chr6-32853420-A-C. GRCh37 (hg19) VCF-style: chr6-32821197-A-C.
Other names: short protein forms C73G.
Identifiers: ClinVar variation 2165422 (VCV002165422.3), dbSNP rs775068892, ClinGen allele CA3747048.
Genomic context (GRCh38, chr6:32,853,420, plus strand): 5'-GCCAGCCCTGGGCACCTGCGTTTTCGCTCTTGGAGCCAACCGTTGCCCTGAGGACCCCGC[A>C]GGCCCCCAGCCAGAGCACGGCCCAGCGGCTCAGGCCCACCGCCCAGACCCGGAGCAGTGG-3'
Protein context (NP_000584.3, residues 63-83): SRWAVLWLGA[Cys73Gly]GVLRATVGSK